The following is an entry in ClinVar:

ClinVar aggregate classification (germline): Uncertain significance (1 of 4 stars; one submission).

Conditions:
Neonatal-onset encephalopathy with rigidity and seizures. Also called: Lethal neonatal spasticity-epileptic encephalopathy syndrome. Identifiers: Orphanet 435845, MedGen C3281029, MONDO:0013784, OMIM 614498.

gnomAD v4.1: 2 of 1,598,442 alleles (0.00013%); highest among the groups gnomAD compares: African/African-American, 0.0013%; no homozygotes.

Submission:

Labcorp Genetics (formerly Invitae), Labcorp
Classification: Uncertain significance for Neonatal-onset encephalopathy with rigidity and seizures. Last evaluated: 2022-07-19. Review status: criteria provided, single submitter. Criteria: Invitae Variant Classification Sherloc (09022015). Collection method: clinical testing. Allele origin: germline.
Comment: This sequence change replaces serine, which is neutral and polar, with tryptophan, which is neutral and slightly polar, at codon 604 of the BRAT1 protein (p.Ser604Trp). This variant is not present in population databases (gnomAD no frequency). This variant has not been reported in the literature in individuals affected with BRAT1-related conditions. ClinVar contains an entry for this variant (Variation ID: 963119). Algorithms developed to predict the effect of missense changes on protein structure and function (SIFT, PolyPhen-2, Align-GVGD) all suggest that this variant is likely to be disruptive. Algorithms developed to predict the effect of sequence changes on RNA splicing suggest that this variant may disrupt the consensus splice site. In summary, the available evidence is currently insufficient to determine the role of this variant in disease. Therefore, it has been classified as a Variant of Uncertain Significance.

NM_152743.4(BRAT1):c.1811C>G (p.Ser604Trp)

Gene: BRAT1 (BRCA1 associated ATM activator 1; minus strand). Cytogenetic location: 7p22.3.
Variant type: single nucleotide variant.
Coding change: c.1811C>G on transcript NM_152743.4 (MANE Select); coding-DNA position 1811, C replaced by G.
Protein change: p.Ser604Trp; replaces serine 604 with tryptophan.
Molecular consequence: missense variant. On other transcripts: non-coding transcript variant (1).
Genome position (GRCh38, 1-based): chr7:2,538,724, G>C on the plus strand (C>G on the coding strand, the complement: BRAT1 is on the minus strand). VCF-style: chr7-2538724-G-C. GRCh37 (hg19) VCF-style: chr7-2578358-G-C.
Other names: c.1991C>G, p.Ser664Trp (NM_001350626.2); c.1286C>G, p.Ser429Trp (NM_001350627.2); short protein forms S604W, S664W, S429W.
Identifiers: ClinVar variation 963119 (VCV000963119.7), dbSNP rs764013096, ClinGen allele CA366625628.
Genomic context (GRCh38, chr7:2,538,724, plus strand): 5'-TGGCCGTCCCGCAGCCACTCAGTGAAGACTTGCATGACCGCCCGCCGTGGGAAGCCCTCC[G>C]AGTCTACGGAGAGGATGTGCAGGAGCTCCAGGAACAGGCTCTGGGGGACAGGGAGCAAGT-3'
Protein context (NP_689956.2, residues 594-614): LELLHILSVD[Ser604Trp]EGFPRRAVMQ